The following is an entry in ClinVar:

NM_001903.5(CTNNA1):c.2285_2287del (p.Thr762del)

Gene: CTNNA1 (catenin alpha 1; plus strand). Cytogenetic location: 5q31.2.
Variant type: Deletion.
Coding change: c.2285_2287del on transcript NM_001903.5 (MANE Select); coding-DNA positions 2285 to 2287, 3 bases deleted (CCA; older notation c.2285_2287delCCA).
Protein change: p.Thr762del; deletes threonine 762.
Molecular consequence: inframe deletion.
Genome position (GRCh38, 1-based): chr5:138,930,922-138,930,924, CCA deleted; deleting any 3 consecutive bases within chr5:138,930,920-138,930,924 gives the same sequence; the c. name uses the placement nearest the transcript's 3' end. VCF-style (leftmost placement, unchanged base first): chr5-138930919-GCAC-G. GRCh37 (hg19) VCF-style: chr5-138266608-GCAC-G.
Other names: c.2285_2287del, p.Thr762del (NM_001290307.3, NM_001323982.2, NM_001323983.1 and 2 more transcripts); c.1976_1978del, p.Thr659del (NM_001290309.3); c.1916_1918del, p.Thr639del (NM_001290310.3); c.1175_1177del, p.Thr392del (NM_001290312.1, NM_001323987.1, NM_001323988.1 and 17 more transcripts); c.2192_2194del, p.Thr731del (NM_001323986.2); c.836_838del, p.Thr279del (NM_001324006.1, NM_001324007.1, NM_001324008.1 and 2 more transcripts); c.1082_1084del, p.Thr361del (NM_001324011.1); c.932_934del, p.Thr311del (NM_001324012.1, NM_001324013.1); short protein forms T279del, T311del, T361del, T392del, T639del, T659del, T731del, T762del.
Identifiers: ClinVar variation 1023942 (VCV001023942.8), dbSNP rs1765161404, ClinGen allele CA1586088158.
Genomic context (GRCh38, chr5:138,930,919, plus strand): 5'-ATGTCATCAGTGCTGCCAAGAAAATTGCTGAGGCAGGATCCAGGATGGACAAGCTTGGCC[GCAC>G]CATTGCAGACCATGTAAGTGACAGACTTGCCAGGTGGGTCTCCAAGCTCCTCCTGGGGCT-3'

ClinVar aggregate classification (germline): Uncertain significance (1 of 4 stars; one submission).

Submission:

Labcorp Genetics (formerly Invitae), Labcorp
Classification: Uncertain significance. Last evaluated: 2020-09-02. Review status: criteria provided, single submitter. Criteria: Invitae Variant Classification Sherloc (09022015). Collection method: clinical testing. Allele origin: germline.
Comment: This variant has not been reported in the literature in individuals with CTNNA1-related conditions. In summary, the available evidence is currently insufficient to determine the role of this variant in disease. Therefore, it has been classified as a Variant of Uncertain Significance. Experimental studies and prediction algorithms are not available or were not evaluated, and the functional significance of this variant is currently unknown. This variant is not present in population databases (ExAC no frequency). This variant, c.2285_2287del, results in the deletion of 1 amino acid(s) of the CTNNA1 protein (p.Thr762del), but otherwise preserves the integrity of the reading frame.